The following is an entry in ClinVar:

NM_018706.7(DHTKD1):c.2061G>C (p.Trp687Cys)

Gene: DHTKD1 (dehydrogenase E1 and transketolase domain containing 1; plus strand). Cytogenetic location: 10p14.
Variant type: single nucleotide variant.
Coding change: c.2061G>C on transcript NM_018706.7 (MANE Select); coding-DNA position 2061, G replaced by C.
Protein change: p.Trp687Cys; replaces tryptophan 687 with cysteine.
Molecular consequence: missense variant.
Genome position (GRCh38, 1-based): chr10:12,107,922, G>C. VCF-style: chr10-12107922-G-C. GRCh37 (hg19) VCF-style: chr10-12149921-G-C.
Other names: short protein forms W687C.
Identifiers: ClinVar variation 3666135 (VCV003666135.2).
Genomic context (GRCh38, chr10:12,107,922, plus strand): 5'-TGTCCCCGCTTCGTAGAGCTCTTACTCCCCACGTGGTACTTTTCCAGGAGAGGCCAAGTG[G>C]CTCCTACAAAGCGGCATCGTCATCCTCCTTCCACATGGCTACGATGGGGCTGGGCCAGAC-3'
Protein context (NP_061176.4, residues 677-697): DTFISGGEAK[Trp687Cys]LLQSGIVILL

ClinVar aggregate classification (germline): Uncertain significance (1 of 4 stars; one submission).

Conditions:
2-aminoadipic 2-oxoadipic aciduria (AAKAD). Also called: Aminoadipic aciduria; ALPHA-AMINOADIPIC AND ALPHA-KETOADIPIC ACIDURIA. Identifiers: Orphanet 79154, MedGen C1859817, MONDO:0008774, OMIM 204750.

gnomAD v4.1: 15 of 1,613,400 alleles (0.00093%); highest among the groups gnomAD compares: South Asian, 0.016%; 1 homozygote.

Submission:

Labcorp Genetics (formerly Invitae), Labcorp
Classification: Uncertain significance for 2-aminoadipic 2-oxoadipic aciduria. Last evaluated: 2024-05-29. Review status: criteria provided, single submitter. Criteria: Invitae Variant Classification Sherloc (09022015). Collection method: clinical testing. Allele origin: germline.
Comment: This sequence change replaces tryptophan, which is neutral and slightly polar, with cysteine, which is neutral and slightly polar, at codon 687 of the DHTKD1 protein (p.Trp687Cys). This variant is present in population databases (rs769639705, gnomAD 0.01%). This variant has not been reported in the literature in individuals affected with DHTKD1-related conditions. Advanced modeling of protein sequence and biophysical properties (such as structural, functional, and spatial information, amino acid conservation, physicochemical variation, residue mobility, and thermodynamic stability) performed at Invitae indicates that this missense variant is expected to disrupt DHTKD1 protein function with a positive predictive value of 80%. In summary, the available evidence is currently insufficient to determine the role of this variant in disease. Therefore, it has been classified as a Variant of Uncertain Significance.